The following is an entry in ClinVar:

NM_032380.5(GFM2):c.1247C>T (p.Pro416Leu)

Gene: GFM2 (GTP dependent ribosome recycling factor mitochondrial 2; minus strand). Cytogenetic location: 5q13.3.
Variant type: single nucleotide variant.
Coding change: c.1247C>T on transcript NM_032380.5 (MANE Select); coding-DNA position 1247, C replaced by T.
Protein change: p.Pro416Leu; replaces proline 416 with leucine.
Molecular consequence: missense variant. On other transcripts: non-coding transcript variant (1).
Genome position (GRCh38, 1-based): chr5:74,738,391, G>A on the plus strand (C>T on the coding strand, the complement: GFM2 is on the minus strand). VCF-style: chr5-74738391-G-A. GRCh37 (hg19) VCF-style: chr5-74034216-G-A.
Other names: c.1343C>T, p.Pro448Leu (NM_001281302.2); c.1247C>T, p.Pro416Leu (NM_170681.3); c.1106C>T, p.Pro369Leu (NM_170691.3); short protein forms P369L, P416L, P448L.
Identifiers: ClinVar variation 1707092 (VCV001707092.7), dbSNP rs182174189, ClinGen allele CA3306576.

ClinVar aggregate classification (germline): Uncertain significance. Review status: criteria provided, multiple submitters, no conflicts (2 of 4 stars). 2 submissions from 2 submitters: Uncertain significance (2). Last evaluated 2024-07-23.

Allele frequency attached by ClinVar (database versions not stated): gnomAD exomes below 0.00001; ExAC 0.00001; gnomAD 0.00001; TOPMed 0.00002; 1000 Genomes Project 30x 0.00016; 1000 Genomes Project 0.00020.

Submissions (2):

GeneDx
Classification: Uncertain significance. Last evaluated: 2024-07-23. Review status: criteria provided, single submitter. Criteria: GeneDx Variant Classification Process June 2021. Collection method: clinical testing. Allele origin: germline. Affected: yes.
Comment: Not observed at significant frequency in large population cohorts (gnomAD); In silico analysis supports that this missense variant has a deleterious effect on protein structure/function; Has not been previously published as pathogenic or benign to our knowledge

Labcorp Genetics (formerly Invitae), Labcorp
Classification: Uncertain significance. Last evaluated: 2024-02-17. Review status: criteria provided, single submitter. Criteria: Invitae Variant Classification Sherloc (09022015). Collection method: clinical testing. Allele origin: germline.
Comment: This sequence change replaces proline, which is neutral and non-polar, with leucine, which is neutral and non-polar, at codon 416 of the GFM2 protein (p.Pro416Leu). This variant is present in population databases (rs182174189, gnomAD 0.007%). This variant has not been reported in the literature in individuals affected with GFM2-related conditions. ClinVar contains an entry for this variant (Variation ID: 1707092). Advanced modeling of protein sequence and biophysical properties (such as structural, functional, and spatial information, amino acid conservation, physicochemical variation, residue mobility, and thermodynamic stability) performed at Invitae indicates that this missense variant is not expected to disrupt GFM2 protein function with a negative predictive value of 80%. In summary, the available evidence is currently insufficient to determine the role of this variant in disease. Therefore, it has been classified as a Variant of Uncertain Significance.